The following is an entry in ClinVar:

NM_130837.3(OPA1):c.2197C>T (p.Gln733Ter)

Gene: OPA1 (OPA1 mitochondrial dynamin like GTPase; plus strand). Cytogenetic location: 3q29.
Variant type: single nucleotide variant.
Coding change: c.2197C>T on transcript NM_130837.3 (MANE Select); coding-DNA position 2197, C replaced by T.
Protein change: p.Gln733Ter; replaces glutamine 733 with a stop codon.
Molecular consequence: nonsense.
Genome position (GRCh38, 1-based): chr3:193,657,098, C>T. VCF-style: chr3-193657098-C-T. GRCh37 (hg19) VCF-style: chr3-193374887-C-T.
Other names: c.1663C>T, p.Gln555Ter (NM_001354663.2); c.1660C>T, p.Gln554Ter (NM_001354664.2); c.2032C>T, p.Gln678Ter (NM_015560.3); c.1924C>T, p.Gln642Ter (NM_130831.3); c.1978C>T, p.Gln660Ter (NM_130832.3); c.2035C>T, p.Gln679Ter (NM_130833.3); c.2086C>T, p.Gln696Ter (NM_130834.3); c.2089C>T, p.Gln697Ter (NM_130835.3); and 1 more; short protein forms Q554*, Q555*, Q642*, Q660*, Q678*, Q679*, Q696*, Q697*.
Identifiers: ClinVar variation 4879413 (VCV004879413.2).

ClinVar aggregate classification (germline): Pathogenic/Likely pathogenic. Review status: criteria provided, multiple submitters, no conflicts (2 of 4 stars). 2 submissions from 2 submitters: Pathogenic (1); Likely pathogenic (1). Last evaluated 2026-06-02.

Conditions:
OPA1-related disorder. Also called: OPA1-related condition; OPA1-related disorders.
Autosomal dominant optic atrophy classic form (OPA1). Also called: KJER-TYPE OPTIC ATROPHY; OPTIC ATROPHY, JUVENILE; Optic Atrophy Type 1. Identifiers: Orphanet 98673, MedGen C0338508, MONDO:0008134, OMIM 165500.

Submissions (2):

Institute of Human Genetics, University of Leipzig Medical Center
Classification: Pathogenic for Autosomal dominant optic atrophy classic form. Last evaluated: 2026-06-02. Review status: criteria provided, single submitter. Criteria: ACMG Guidelines, 2015. Collection method: clinical testing. Allele origin: unknown. Inheritance: Autosomal dominant inheritance. Affected: yes.
Comment: Criteria applied: PVS1,PM2

Blueprint Genetics
Classification: Likely pathogenic for OPA1-related disorders. Last evaluated: 2021-02-22. Review status: criteria provided, single submitter. Criteria: ACMG Guidelines, 2015. Collection method: clinical testing. Allele origin: germline. Affected: yes. Observed: 1 variant allele.